The following is an entry in ClinVar:

NM_007078.3(LDB3):c.54G>T (p.Gln18His)

Gene: LDB3 (LIM domain binding 3; plus strand). Cytogenetic location: 10q23.2.
Variant type: single nucleotide variant.
Coding change: c.54G>T on transcript NM_007078.3 (MANE Select); coding-DNA position 54, G replaced by T.
Protein change: p.Gln18His; replaces glutamine 18 with histidine.
Molecular consequence: missense variant.
Genome position (GRCh38, 1-based): chr10:86,668,745, G>T. VCF-style: chr10-86668745-G-T. GRCh37 (hg19) VCF-style: chr10-88428502-G-T.
Other names: p.Q18H:CAG>CAT; c.54G>T, p.Gln18His (NM_001080116.1, NM_001080114.2, NM_001080115.2 and 8 more transcripts); short protein forms Q18H.
Identifiers: ClinVar variation 201856 (VCV000201856.21), dbSNP rs149348427, ClinGen allele CA308654.
Genomic context (GRCh38, chr10:86,668,745, plus strand): 5'-CACCAGCATGTCTTACAGTGTGACCCTGACTGGGCCCGGGCCCTGGGGCTTCCGTCTGCA[G>T]GGGGGCAAGGACTTCAACATGCCCCTCACTATCTCCCGGGTGAGTGCACCCTGCCACAGC-3'
Protein context (NP_009009.1, residues 8-28): TGPGPWGFRL[Gln18His]GGKDFNMPLT

ClinVar aggregate classification (germline): Conflicting classifications of pathogenicity. Review status: criteria provided, conflicting classifications (1 of 4 stars). 8 submissions from 8 submitters: Uncertain significance (6); Likely benign (2). Last evaluated 2025-11-17.

Conditions:
Cardiomyopathy (CMYO). Also called: Cardiomyopathies. Identifiers: Orphanet 167848, MedGen C0878544, MONDO:0004994, HP:0001638. Inheritance: Various modes of inheritance.
Primary familial dilated cardiomyopathy (FDC). Also called: Hypokinetic dilated cardiomyopathy, familial; Familial dilated cardiomyopathy. Identifiers: Orphanet 217607, MedGen C0340427, MONDO:0016333.
Myofibrillar myopathy 4. Also called: Zaspopathy (type). Identifiers: Orphanet 98912, MedGen C4721886, MONDO:0012277, OMIM 609452.
Dilated cardiomyopathy 1C (CMD1C). Also called: CARDIOMYOPATHY, DILATED, 1C, WITH OR WITHOUT LEFT VENTRICULAR NONCOMPACTION; Cardiomyopathy, dilated, 1C, with or without LVNC. Identifiers: Orphanet 154, Orphanet 54260, MedGen C1832244, MONDO:0011094, OMIM 601493.
Cardiovascular phenotype. Identifiers: MedGen CN230736.

Allele frequency attached by ClinVar (database versions not stated): gnomAD 0.00002 and 0.00001; ExAC 0.00003; ESP Exome Variant Server 0.00008; gnomAD exomes 0.00004; TOPMed 0.00006.
gnomAD v4.1: 60 of 1,613,162 alleles (0.0037%); highest among the groups gnomAD compares: Non-Finnish European, 0.0047%; no homozygotes.

Submissions (8):

Labcorp Genetics (formerly Invitae), Labcorp
Classification: Uncertain significance for Myofibrillar myopathy 4. Last evaluated: 2025-11-17. Review status: criteria provided, single submitter. Criteria: Invitae Variant Classification Sherloc (09022015). Collection method: clinical testing. Allele origin: germline.
Comment: This sequence change replaces glutamine, which is neutral and polar, with histidine, which is basic and polar, at codon 18 of the LDB3 protein (p.Gln18His). This variant is present in population databases (rs149348427, gnomAD 0.008%). This missense change has been observed in individual(s) with sudden unexplained death or unexplained cardiac arrest (PMID: 27005929, 35352813). ClinVar contains an entry for this variant (Variation ID: 201856). An algorithm developed to predict the effect of missense changes on protein structure and function (PolyPhen-2) suggests that this variant is likely to be disruptive. In summary, the available evidence is currently insufficient to determine the role of this variant in disease. Therefore, it has been classified as a Variant of Uncertain Significance.

Ambry Genetics
Classification: Uncertain significance for Cardiovascular phenotype. Last evaluated: 2025-04-22. Review status: criteria provided, single submitter. Criteria: Ambry Variant Classification Scheme 2023. Collection method: clinical testing. Allele origin: germline.
Comment: The p.Q18H variant (also known as c.54G>T), located in coding exon 1 of the LDB3 gene, results from a G to T substitution at nucleotide position 54. The glutamine at codon 18 is replaced by histidine, an amino acid with highly similar properties. This amino acid position is highly conserved in available vertebrate species. In addition, the in silico prediction for this alteration is inconclusive. Based on the available evidence, the clinical significance of this variant remains unclear.

Blueprint Genetics
Classification: Likely benign. Last evaluated: 2024-11-07. Review status: criteria provided, single submitter. Criteria: ACMG Guidelines, 2015. Collection method: clinical testing. Allele origin: germline.

Revvity Omics, Revvity
Classification: Likely benign. Last evaluated: 2024-03-06. Review status: criteria provided, single submitter. Criteria: ACMG Guidelines, 2015. Collection method: clinical testing. Allele origin: germline.

GeneDx
Classification: Uncertain significance. Last evaluated: 2022-06-10. Review status: criteria provided, single submitter. Criteria: GeneDx Variant Classification Process June 2021. Collection method: clinical testing. Allele origin: germline. Affected: yes.
Comment: Reported in a patient with sudden arrhythmogenic death syndrome (SADS) in the published literature, however this individual harbored additional cardiogenetic variants (Hata et al., 2016); In silico analysis supports that this missense variant has a deleterious effect on protein structure/function; This variant is associated with the following publications: (PMID: 27005929)

CHEO Genetics Diagnostic Laboratory, Children's Hospital of Eastern Ontario
Classification: Uncertain significance for Cardiomyopathy. Last evaluated: 2021-04-20. Review status: criteria provided, single submitter. Criteria: ACMG Guidelines, 2015. Collection method: clinical testing. Allele origin: germline.

Fulgent Genetics
Classification: Uncertain significance for Dilated cardiomyopathy 1C; Myofibrillar myopathy 4. Last evaluated: 2018-10-31. Review status: criteria provided, single submitter. Criteria: ACMG Guidelines, 2015. Collection method: clinical testing. Allele origin: unknown.

Molecular Diagnostic Laboratory for Inherited Cardiovascular Disease, Montreal Heart Institute
Classification: Uncertain significance for Familial dilated cardiomyopathy. Review status: criteria provided, single submitter. Criteria: ACMG Guidelines, 2015. Collection method: clinical testing. Allele origin: germline. Affected: yes.

Literature cited by the submitters: PubMed 27005929 (cited by Labcorp Genetics (formerly Invitae), Labcorp); PubMed 35352813 (cited by Labcorp Genetics (formerly Invitae), Labcorp).